The following is an entry in ClinVar:

ClinVar aggregate classification (germline): Likely pathogenic (1 of 4 stars; one submission).

Conditions:
Neuroocular syndrome 1 (NOC1). Identifiers: Orphanet 659904, MedGen C5925133, MONDO:0971007, OMIM 619539.

gnomAD v4.1: 1 of 1,603,372 alleles (0.000062%); highest among the groups gnomAD compares: Non-Finnish European, 0.000085%; no homozygotes.

Submission:

Institute for Clinical Genetics, University Hospital TU Dresden, University Hospital TU Dresden
Classification: Likely pathogenic for Neuroocular syndrome 1. Last evaluated: 2024-11-13. Review status: criteria provided, single submitter. Criteria: ACMG Guidelines, 2015. Collection method: clinical testing. Allele origin: de novo. Affected: yes.
Comment: The missense variant in the PRR12 gene (NM_020719.3:c.1775C>T, p.(Ser592Leu)) leads to an amino acid exchange at position 592 in the corresponding protein due to a base exchange at position 1775 of the cDNA. Empirically, the gene does not show a generally increased sensitivity to missense variants (Z-score -1.03, PMID: 27535533) and the regional missense constraint score is not significant. Bioinformatic prediction algorithms estimate the effect of the variant on protein function as moderate (PrimateAI score 0.94, PMID: 27666373), but an actual effect has not yet been functionally investigated. The variant has not yet been classified in the ClinVar database. In the population database gnomAD v4.1.0, the variant is listed 1 time, of which 0 times homozygous. According to current ACMG recommendations for variant evaluation (PMID 25741868), the criteria PS2, PM2_SUP and PP3_MOD are fulfilled, resulting in an evaluation as a probable pathogenic variant (ACMG class 4).

NM_020719.3(PRR12):c.1775C>T (p.Ser592Leu)

Gene: PRR12 (proline rich 12; plus strand). Cytogenetic location: 19q13.33.
Variant type: single nucleotide variant.
Coding change: c.1775C>T on transcript NM_020719.3 (MANE Select); coding-DNA position 1775, C replaced by T.
Protein change: p.Ser592Leu; replaces serine 592 with leucine.
Molecular consequence: missense variant.
Genome position (GRCh38, 1-based): chr19:49,596,110, C>T. VCF-style: chr19-49596110-C-T. GRCh37 (hg19) VCF-style: chr19-50099367-C-T.
Other names: short protein forms S592L.
Identifiers: ClinVar variation 4850098 (VCV004850098.1).